The following is an entry in ClinVar:

ClinVar aggregate classification (germline): Likely benign (1 of 4 stars; one submission).

Conditions:
Neurofibromatosis, type 1 (NF1). Also called: VON RECKLINGHAUSEN DISEASE; NEUROFIBROMATOSIS, TYPE I, SOMATIC; Peripheral type neurofibromatosis; Neurofibromatosis, type I. Identifiers: Orphanet 636, MedGen C0027831, MONDO:0018975, OMIM 162200. Disease mechanism: loss of function.

Submission:

Myriad Genetics, Inc.
Classification: Likely benign for Neurofibromatosis, type 1. Last evaluated: 2026-09-23. Review status: criteria provided, single submitter. Criteria: Myriad Autosomal Dominant, Autosomal Recessive and X-Linked Classification Criteria (2023). Collection method: clinical testing. Allele origin: unknown.
Comment: This variant is considered likely benign. This variant is intronic and is not expected to impact mRNA splicing.

NM_001042492.3(NF1):c.1845+6C>T

Gene: NF1 (neurofibromin 1; plus strand). Cytogenetic location: 17q11.2.
Variant type: single nucleotide variant.
Coding change: c.1845+6C>T on transcript NM_001042492.3 (MANE Select); 6 bases into the intron after coding-DNA position 1845, C replaced by T.
Molecular consequence: intron variant.
Genome position (GRCh38, 1-based): chr17:31,223,573, C>T. VCF-style: chr17-31223573-C-T. GRCh37 (hg19) VCF-style: chr17-29550591-C-T.
Other names: c.1845+6C>T (NM_000267.4).
Identifiers: ClinVar variation 5042165 (VCV005042165.1).